The following is an entry in ClinVar:

ClinVar aggregate classification (germline): Likely benign. Review status: criteria provided, multiple submitters, no conflicts (2 of 4 stars). 2 submissions from 2 submitters: Likely benign (2). Last evaluated 2026-06-01.

Conditions:
Gastrointestinal stromal tumor. Also called: Gastrointestinal stroma tumor; Gastrointestinal stromal tumor, somatic. Identifiers: Orphanet 44890, MedGen C0238198, MeSH D046152, MONDO:0011719, OMIM 606764, HP:0100723.

Submissions (2):

Myriad Genetics, Inc.
Classification: Likely benign for Gastrointestinal stromal tumor. Last evaluated: 2026-06-01. Review status: criteria provided, single submitter. Criteria: Myriad Autosomal Dominant, Autosomal Recessive and X-Linked Classification Criteria (2023). Collection method: clinical testing. Allele origin: unknown.
Comment: This variant is considered likely benign. This variant is intronic and is not expected to impact mRNA splicing.

Labcorp Genetics (formerly Invitae), Labcorp
Classification: Likely benign for Gastrointestinal stromal tumor. Last evaluated: 2025-05-26. Review status: criteria provided, single submitter. Criteria: Invitae Variant Classification Sherloc (09022015). Collection method: clinical testing. Allele origin: germline.

NM_000222.3(KIT):c.2484+9C>A

Gene: KIT (KIT proto-oncogene, receptor tyrosine kinase; plus strand). Cytogenetic location: 4q12.
Variant type: single nucleotide variant.
Coding change: c.2484+9C>A on transcript NM_000222.3 (MANE Select); 9 bases into the intron after coding-DNA position 2484, C replaced by A.
Molecular consequence: intron variant.
Genome position (GRCh38, 1-based): chr4:54,733,201, C>A. VCF-style: chr4-54733201-C-A. GRCh37 (hg19) VCF-style: chr4-55599367-C-A.
Other names: c.2487+9C>A (NM_001385284.1); c.2484+9C>A (NM_001385290.1); c.2475+9C>A (NM_001385288.1); c.2472+9C>A (NM_001385292.1, NM_001093772.2); c.2481+9C>A (NM_001385285.1); c.2469+9C>A (NM_001385286.1).
Identifiers: ClinVar variation 1151752 (VCV001151752.10), dbSNP rs2109802167, ClinGen allele CA2499217282.